The following is an entry in ClinVar:

NM_052859.4(RFT1):c.*2950C>T

Gene: RFT1 (RFT1 glycolipid translocator homolog; minus strand). Cytogenetic location: 3p21.1.
Variant type: single nucleotide variant.
Coding change: c.*2950C>T on transcript NM_052859.4 (MANE Select); 2950 bases downstream of the stop codon, C replaced by T.
Molecular consequence: 3 prime UTR variant.
Genome position (GRCh38, 1-based): chr3:53,088,953, G>A on the plus strand (C>T on the coding strand, the complement: RFT1 is on the minus strand). VCF-style: chr3-53088953-G-A. GRCh37 (hg19) VCF-style: chr3-53122969-G-A.
Identifiers: ClinVar variation 346141 (VCV000346141.6), dbSNP rs2082093, ClinGen allele CA10616413.

ClinVar aggregate classification (germline): Benign. Review status: criteria provided, multiple submitters, no conflicts (2 of 4 stars). 2 submissions from 2 submitters: Benign (2). Last evaluated 2018-01-12.

Conditions:
RFT1-congenital disorder of glycosylation (CDG1N). Also called: Congenital disorder of glycosylation type In; CDG In; RFT1-CDG. Identifiers: Orphanet 244310, MedGen C2677590, MONDO:0012783, OMIM 612015.

Allele frequency attached by ClinVar (database versions not stated): gnomAD exomes 0.47368; gnomAD 0.47683 and 0.48252; TOPMed 0.47977; 1000 Genomes Project 30x 0.48017; 1000 Genomes Project 0.49042.

Submissions (2):

Illumina Laboratory Services, Illumina
Classification: Benign for RFT1-congenital disorder of glycosylation. Last evaluated: 2018-01-12. Review status: criteria provided, single submitter. Criteria: ICSL Variant Classification Criteria 13 December 2019. Collection method: clinical testing. Allele origin: germline.
Comment: This variant was observed in the ICSL laboratory as part of a predisposition screen in an ostensibly healthy population. It had not been previously curated by ICSL or reported in the Human Gene Mutation Database (HGMD: prior to June 1st, 2018), and was therefore a candidate for classification through an automated scoring system. Utilizing variant allele frequency, disease prevalence and penetrance estimates, and inheritance mode, an automated score was calculated to assess if this variant is too frequent to cause the disease. Based on the score and internal cut-off values, a variant classified as benign is not then subjected to further curation. The score for this variant resulted in a classification of benign for this disease.

Breakthrough Genomics
Classification: Benign. Review status: criteria provided, single submitter. Criteria: ACMG Guidelines, 2015. Collection method: not provided. Allele origin: germline. Inheritance: Autosomal recessive inheritance. Affected: yes.